The following is an entry in ClinVar:

NM_020458.4(TTC7A):c.1819G>A (p.Val607Met)

Gene: TTC7A (tetratricopeptide repeat domain 7A; plus strand). Cytogenetic location: 2p21.
Variant type: single nucleotide variant.
Coding change: c.1819G>A on transcript NM_020458.4 (MANE Select); coding-DNA position 1819, G replaced by A.
Protein change: p.Val607Met; replaces valine 607 with methionine.
Molecular consequence: missense variant.
Genome position (GRCh38, 1-based): chr2:47,046,331, G>A. VCF-style: chr2-47046331-G-A. GRCh37 (hg19) VCF-style: chr2-47273470-G-A.
Other names: c.1819G>A, p.Val607Met (LRG_1323t1, NM_001288951.2); c.1717G>A, p.Val573Met (NM_001288953.2); c.757G>A, p.Val253Met (NM_001288955.2); c.1819G>A (NM_020458.2); short protein forms V253M, V573M, V607M.
Identifiers: ClinVar variation 659365 (VCV000659365.9), dbSNP rs1573016481, ClinGen allele CA346719592.

ClinVar aggregate classification (germline): Uncertain significance. Review status: criteria provided, multiple submitters, no conflicts (2 of 4 stars). 2 submissions from 2 submitters: Uncertain significance (2). Last evaluated 2025-11-19.

Conditions:
Multiple gastrointestinal atresias. Also called: Multiple intestinal atresia; FAMILIAL INTESTINAL POLYATRESIA SYNDROME. Identifiers: Orphanet 2300, MedGen C0220744, MONDO:0009465.
Inborn genetic diseases. Identifiers: MedGen C0950123, MeSH D030342.

Allele frequency attached by ClinVar (database versions not stated): gnomAD exomes below 0.00001.
gnomAD v4.1: 2 of 1,614,084 alleles (0.00012%); highest among the groups gnomAD compares: Non-Finnish European, 0.000085%; no homozygotes.

Submissions (2):

Ambry Genetics
Classification: Uncertain significance for Inborn genetic diseases. Last evaluated: 2025-11-19. Review status: criteria provided, single submitter. Criteria: Ambry Variant Classification Scheme 2023. Collection method: clinical testing. Allele origin: germline.

Labcorp Genetics (formerly Invitae), Labcorp
Classification: Uncertain significance for Multiple gastrointestinal atresias. Last evaluated: 2022-10-25. Review status: criteria provided, single submitter. Criteria: Invitae Variant Classification Sherloc (09022015). Collection method: clinical testing. Allele origin: germline.
Comment: In summary, the available evidence is currently insufficient to determine the role of this variant in disease. Therefore, it has been classified as a Variant of Uncertain Significance. Advanced modeling of protein sequence and biophysical properties (such as structural, functional, and spatial information, amino acid conservation, physicochemical variation, residue mobility, and thermodynamic stability) performed at Invitae indicates that this missense variant is expected to disrupt TTC7A protein function. This sequence change replaces valine, which is neutral and non-polar, with methionine, which is neutral and non-polar, at codon 607 of the TTC7A protein (p.Val607Met). This variant is not present in population databases (gnomAD no frequency). This variant has not been reported in the literature in individuals affected with TTC7A-related conditions. ClinVar contains an entry for this variant (Variation ID: 659365).